The following is an entry in ClinVar:

ClinVar aggregate classification (germline): Uncertain significance (1 of 4 stars; one submission).

Conditions:
2-aminoadipic 2-oxoadipic aciduria (AAKAD). Also called: ALPHA-AMINOADIPIC AND ALPHA-KETOADIPIC ACIDURIA; Aminoadipic aciduria. Identifiers: Orphanet 79154, MedGen C1859817, MONDO:0008774, OMIM 204750.

Submission:

Labcorp Genetics (formerly Invitae), Labcorp
Classification: Uncertain significance for 2-aminoadipic 2-oxoadipic aciduria. Last evaluated: 2024-11-08. Review status: criteria provided, single submitter. Criteria: Invitae Variant Classification Sherloc (09022015). Collection method: clinical testing. Allele origin: germline.
Comment: This sequence change replaces asparagine, which is neutral and polar, with threonine, which is neutral and polar, at codon 317 of the DHTKD1 protein (p.Asn317Thr). This variant is not present in population databases (gnomAD no frequency). This variant has not been reported in the literature in individuals affected with DHTKD1-related conditions. An algorithm developed to predict the effect of missense changes on protein structure and function outputs the following: PolyPhen-2: "Benign". The threonine amino acid residue is found in multiple mammalian species, which suggests that this missense change does not adversely affect protein function. In summary, the available evidence is currently insufficient to determine the role of this variant in disease. Therefore, it has been classified as a Variant of Uncertain Significance.

NM_018706.7(DHTKD1):c.950A>C (p.Asn317Thr)

Gene: DHTKD1 (dehydrogenase E1 and transketolase domain containing 1; plus strand). Cytogenetic location: 10p14.
Variant type: single nucleotide variant.
Coding change: c.950A>C on transcript NM_018706.7 (MANE Select); coding-DNA position 950, A replaced by C.
Protein change: p.Asn317Thr; replaces asparagine 317 with threonine.
Molecular consequence: missense variant.
Genome position (GRCh38, 1-based): chr10:12,089,218, A>C. VCF-style: chr10-12089218-A-C. GRCh37 (hg19) VCF-style: chr10-12131217-A-C.
Other names: short protein forms N317T.
Identifiers: ClinVar variation 3655945 (VCV003655945.2).